The following is an entry in ClinVar:

ClinVar aggregate classification (germline): Likely pathogenic (1 of 4 stars; one submission).

Conditions:
Dilated cardiomyopathy 1G (CMD1G). Identifiers: Orphanet 154, MedGen C1858763, MONDO:0011400, OMIM 604145.
Autosomal recessive limb-girdle muscular dystrophy type 2J (LGMDR10). Also called: Limb-girdle muscular dystrophy, type 2J; MUSCULAR DYSTROPHY, LIMB-GIRDLE, AUTOSOMAL RECESSIVE 10. Identifiers: Orphanet 140922, MedGen C1837342, MONDO:0012127, OMIM 608807.

Submission:

Labcorp Genetics (formerly Invitae), Labcorp
Classification: Likely pathogenic for Dilated cardiomyopathy 1G; Autosomal recessive limb-girdle muscular dystrophy type 2J. Last evaluated: 2024-10-18. Review status: criteria provided, single submitter. Criteria: Invitae Variant Classification Sherloc (09022015). Collection method: clinical testing. Allele origin: germline.
Comment: This sequence change creates a premature translational stop signal (p.Leu6487Ilefs*6) in the TTN gene. While this is not anticipated to result in nonsense mediated decay, it is expected to create a truncated TTN protein. This variant is not present in population databases (gnomAD no frequency). This variant has not been reported in the literature in individuals affected with TTN-related conditions. ClinVar contains an entry for this variant (Variation ID: 1044779). This variant is located in the I band of TTN (PMID: 25589632). Truncating variants in this region have been reported in individuals affected with autosomal recessive centronuclear myopathy (PMID: 23975875, internal data). Truncating variants in this region have also been identified in individuals affected with autosomal dominant dilated cardiomyopathy and/or cardio-related conditions (PMID: 27869827, 32964742, internal data). In summary, the currently available evidence indicates that the variant is pathogenic, but additional data are needed to prove that conclusively. Therefore, this variant has been classified as Likely Pathogenic.

Literature cited by the submitters: PubMed 25589632; PubMed 23975875; PubMed 27869827; PubMed 32964742.

NM_001267550.2(TTN):c.19458dup (p.Leu6487fs)

Gene: TTN (titin; minus strand). Cytogenetic location: 2q31.2.
Variant type: Duplication.
Coding change: c.19458dup on transcript NM_001267550.2 (MANE Select); coding-DNA position 19458, one base duplicated (A; older notation c.19458dupA).
Protein change: p.Leu6487fs; shifts the reading frame from leucine 6487.
Molecular consequence: frameshift variant. On other transcripts: intron variant (3).
Genome position (GRCh38, 1-based): chr2:178,728,366, T duplicated on the plus strand (A on the coding strand, the reverse complement: TTN is on the minus strand); the first of 6 consecutive T bases (chr2:178,728,366-178,728,371); duplicating any one gives the same sequence. VCF-style (leftmost placement, unchanged base first): chr2-178728365-A-AT. GRCh37 (hg19) VCF-style: chr2-179593092-A-AT.
Other names: c.18507dup, p.Leu6170fs (NM_001256850.1); c.15726dup, p.Leu5243fs (NM_133378.4); c.13282+9711dup (NM_003319.4); c.13858+9711dup (NM_133437.4); c.13657+9711dup (NM_133432.3); short protein forms L5243fs, L6170fs, L6487fs.
Identifiers: ClinVar variation 1044779 (VCV001044779.9), dbSNP rs2079736561, ClinGen allele CA1310596442.